The following is an entry in ClinVar:

NM_003477.3(PDHX):c.850C>T (p.Arg284Ter)

Gene: PDHX (pyruvate dehydrogenase complex component X; plus strand). Cytogenetic location: 11p13.
Variant type: single nucleotide variant.
Coding change: c.850C>T on transcript NM_003477.3 (MANE Select); coding-DNA position 850, C replaced by T.
Protein change: p.Arg284Ter; replaces arginine 284 with a stop codon.
Molecular consequence: nonsense. On other transcripts: intron variant (1).
Genome position (GRCh38, 1-based): chr11:34,970,172, C>T. VCF-style: chr11-34970172-C-T. GRCh37 (hg19) VCF-style: chr11-34991719-C-T.
Other names: c.343-14398C>T (NM_001166158.2); c.670C>T, p.Arg224Ter (NM_001135024.2); short protein forms R284*, R224*.
Identifiers: ClinVar variation 650650 (VCV000650650.10), dbSNP rs143131258, ClinGen allele CA5946024.

ClinVar aggregate classification (germline): Pathogenic. Review status: criteria provided, multiple submitters, no conflicts (2 of 4 stars). 3 submissions from 3 submitters: Pathogenic (3). Last evaluated 2025-12-17.

Conditions:
Pyruvate dehydrogenase E3-binding protein deficiency (PDHXD). Also called: Lacticacidemia due to PDX1 deficiency; E3-Binding Protein (Component X) Deficiency; PYRUVATE HYDROGENASE E3-BINDING PROTEIN DEFICIENCY; LACTIC ACIDEMIA DUE TO DEFECT IN LIPOYL-CONTAINING COMPONENT X OF THE PYRUVATE DEHYDROGENASE COMPLEX. Identifiers: Orphanet 255182, MedGen C1855553, MONDO:0009503, OMIM 245349.

Allele frequency attached by ClinVar (database versions not stated): gnomAD 0.00001; ExAC 0.00002; gnomAD exomes 0.00003 and 0.00002; TOPMed below 0.00001; ESP Exome Variant Server 0.00008.
gnomAD v4.1: 24 of 1,612,612 alleles (0.0015%); highest among the groups gnomAD compares: East Asian, 0.0022%; no homozygotes.

Submissions (3):

Dasa
Classification: Pathogenic. Last evaluated: 2025-12-17. Review status: criteria provided, single submitter. Criteria: DASA Assertion Criteria. Collection method: clinical testing. Allele origin: germline.
Comment: NM_003477.3(PDHX):c.850C>T (p.Arg284*) introduces a premature termination codon predicted to result in loss of normal protein function. Loss-of-function is an established mechanism of disease for this gene. This variant has been observed in affected individuals with related phenotype in a genotype context consistent with recessive disease (PMID: 30831263). This variant has been reported in individuals with related phenotype (PMID: 30831263). The variant is present at low frequency in population datasets. Based on the available data, this variant is classified as pathogenic.

Labcorp Genetics (formerly Invitae), Labcorp
Classification: Pathogenic. Last evaluated: 2023-12-02. Review status: criteria provided, single submitter. Criteria: Invitae Variant Classification Sherloc (09022015). Collection method: clinical testing. Allele origin: germline.
Comment: This sequence change creates a premature translational stop signal (p.Arg284*) in the PDHX gene. It is expected to result in an absent or disrupted protein product. Loss-of-function variants in PDHX are known to be pathogenic (PMID: 16904023, 21914562). This variant is present in population databases (rs143131258, gnomAD 0.01%). This premature translational stop signal has been observed in individual(s) with clinical features of pyruvate dehydrogenase complex deficiency (PMID: 30831263; Invitae). ClinVar contains an entry for this variant (Variation ID: 650650). For these reasons, this variant has been classified as Pathogenic.

Laboratorio de Genetica e Diagnostico Molecular, Hospital Israelita Albert Einstein
Classification: Pathogenic for Pyruvate dehydrogenase E3-binding protein deficiency. Last evaluated: 2023-07-27. Review status: criteria provided, single submitter. Criteria: ACMG Guidelines, 2015. Collection method: clinical testing. Allele origin: germline. Affected: yes.
Comment: ACMG classification criteria: PVS1 very strong, PM2 supporting, PM3 moderate

Literature cited by the submitters: PubMed 30831263 (cited by Dasa and Labcorp Genetics (formerly Invitae), Labcorp); PubMed 16904023 (cited by Labcorp Genetics (formerly Invitae), Labcorp); PubMed 21914562 (cited by Labcorp Genetics (formerly Invitae), Labcorp).